The following is an entry in ClinVar:

NM_005560.6(LAMA5):c.9391G>A (p.Gly3131Ser)

Gene: LAMA5 (laminin subunit alpha 5; minus strand). Cytogenetic location: 20q13.33.
Variant type: single nucleotide variant.
Coding change: c.9391G>A on transcript NM_005560.6 (MANE Select); coding-DNA position 9391, G replaced by A.
Protein change: p.Gly3131Ser; replaces glycine 3131 with serine.
Molecular consequence: missense variant.
Genome position (GRCh38, 1-based): chr20:62,312,286, C>T on the plus strand (G>A on the coding strand, the complement: LAMA5 is on the minus strand). VCF-style: chr20-62312286-C-T. GRCh37 (hg19) VCF-style: chr20-60887342-C-T.
Other names: short protein forms G3131S.
Identifiers: ClinVar variation 1897089 (VCV001897089.5), dbSNP rs949306613, ClinGen allele CA317235520.

ClinVar aggregate classification (germline): Uncertain significance (1 of 4 stars; one submission).

Allele frequency attached by ClinVar (database versions not stated): gnomAD exomes 0.00002; gnomAD 0.00003; TOPMed 0.00005.
gnomAD v4.1: 36 of 1,611,160 alleles (0.0022%); highest among the groups gnomAD compares: African/African-American, 0.0053%; no homozygotes.

Submission:

Labcorp Genetics (formerly Invitae), Labcorp
Classification: Uncertain significance. Last evaluated: 2022-07-15. Review status: criteria provided, single submitter. Criteria: Invitae Variant Classification Sherloc (09022015). Collection method: clinical testing. Allele origin: germline.
Comment: In summary, the available evidence is currently insufficient to determine the role of this variant in disease. Therefore, it has been classified as a Variant of Uncertain Significance. Algorithms developed to predict the effect of sequence changes on RNA splicing suggest that this variant may create or strengthen a splice site. Algorithms developed to predict the effect of missense changes on protein structure and function (SIFT, PolyPhen-2, Align-GVGD) all suggest that this variant is likely to be tolerated. This variant has not been reported in the literature in individuals affected with LAMA5-related conditions. The frequency data for this variant in the population databases is considered unreliable, as metrics indicate poor data quality at this position in the gnomAD database. This sequence change replaces glycine, which is neutral and non-polar, with serine, which is neutral and polar, at codon 3131 of the LAMA5 protein (p.Gly3131Ser).